The following is an entry in ClinVar:

ClinVar aggregate classification (germline): Conflicting classifications of pathogenicity. Review status: criteria provided, conflicting classifications (1 of 4 stars). 3 submissions from 3 submitters: Uncertain significance (1); Likely benign (2). Last evaluated 2024-06-25.

Conditions:
Cardiovascular phenotype. Identifiers: MedGen CN230736.
Duchenne muscular dystrophy (DMD). Also called: MUSCULAR DYSTROPHY, PSEUDOHYPERTROPHIC PROGRESSIVE, DUCHENNE TYPE; Duchenne Muscular Dystrophy (DMD). Identifiers: Orphanet 98896, MedGen C0013264, MONDO:0010679, OMIM 310200.
Dilated cardiomyopathy 3B (CMD3B). Also called: CMD3B: DMD-Related Dilated Cardiomyopathy; CARDIOMYOPATHY, DILATED, X-LINKED; DMD-Associated Dilated Cardiomyopathy. Identifiers: Orphanet 154, MedGen C3668940, MONDO:0010542, OMIM 302045.

Allele frequency attached by ClinVar (database versions not stated): gnomAD exomes 0.00001.
gnomAD v4.1: 1 of 1,209,557 alleles (0.000083%); highest among the groups gnomAD compares: Non-Finnish European, 0.00011%; no homozygotes.

Submissions (3):

Labcorp Genetics (formerly Invitae), Labcorp
Classification: Likely benign for Duchenne muscular dystrophy. Last evaluated: 2024-06-25. Review status: criteria provided, single submitter. Criteria: Invitae Variant Classification Sherloc (09022015). Collection method: clinical testing. Allele origin: germline.

Ambry Genetics
Classification: Likely benign for Cardiovascular phenotype. Last evaluated: 2024-04-05. Review status: criteria provided, single submitter. Criteria: Ambry Variant Classification Scheme 2023. Collection method: clinical testing. Allele origin: germline.

Baylor Genetics
Classification: Uncertain significance for Dilated cardiomyopathy 3B. Last evaluated: 2018-01-31. Review status: criteria provided, single submitter. Criteria: ACMG Guidelines, 2015. Collection method: clinical testing. Allele origin: unknown. Affected: yes.
Comment: This variant was determined to be of uncertain significance according to ACMG Guidelines, 2015 [PMID:25741868].

NM_004006.3(DMD):c.1998A>G (p.Ser666=)

Gene: DMD (dystrophin; minus strand). Cytogenetic location: Xp21.1.
Variant type: single nucleotide variant.
Coding change: c.1998A>G on transcript NM_004006.3 (MANE Select); coding-DNA position 1998, A replaced by G.
Protein change: p.Ser666=; no amino-acid change (serine 666 retained).
Molecular consequence: synonymous variant.
Genome position (GRCh38, 1-based): chrX:32,545,329, T>C on the plus strand (A>G on the coding strand, the complement: DMD is on the minus strand). VCF-style: chrX-32545329-T-C. GRCh37 (hg19) VCF-style: chrX-32563446-T-C.
Other names: c.1974A>G, p.Ser658= (NM_000109.4); c.1986A>G, p.Ser662= (NM_004009.3); c.1629A>G, p.Ser543= (NM_004010.3).
Identifiers: ClinVar variation 699440 (VCV000699440.12), dbSNP rs1289591017, ClinGen allele CA515722753.